The following is an entry in ClinVar:

NM_001283009.2(RTEL1):c.3842C>A (p.Ala1281Asp)

Genes: RTEL1 (regulator of telomere elongation helicase 1; plus strand), RTEL1-TNFRSF6B (RTEL1-TNFRSF6B readthrough (NMD candidate); plus strand). Cytogenetic location: 20q13.33.
Variant type: single nucleotide variant.
Coding change: c.3842C>A on transcript NM_001283009.2 (MANE Select); coding-DNA position 3842, C replaced by A.
Protein change: p.Ala1281Asp; replaces alanine 1281 with aspartic acid.
Molecular consequence: missense variant. On other transcripts: non-coding transcript variant (1), 3 prime UTR variant (3).
Genome position (GRCh38, 1-based): chr20:63,695,797, C>A. VCF-style: chr20-63695797-C-A. GRCh37 (hg19) VCF-style: chr20-62327150-C-A.
Other names: c.*12C>A (NM_001283010.1, NM_016434.4, NM_032957.5); short protein forms A1281D.
Identifiers: ClinVar variation 4629566 (VCV004629566.1).

ClinVar aggregate classification (germline): Uncertain significance (1 of 4 stars; one submission).

Conditions:
Inborn genetic diseases. Identifiers: MedGen C0950123, MeSH D030342.

Submission:

Ambry Genetics
Classification: Uncertain significance for Inborn genetic diseases. Last evaluated: 2025-10-25. Review status: criteria provided, single submitter. Criteria: Ambry Variant Classification Scheme 2023. Collection method: clinical testing. Allele origin: germline.
Comment: The p.A1281D variant (also known as c.3842C>A), located in coding exon 34 of the RTEL1 gene, results from a C to A substitution at nucleotide position 3842. The alanine at codon 1281 is replaced by aspartic acid, an amino acid with dissimilar properties. This amino acid position is conserved. In addition, this alteration is predicted to be tolerated by in silico analysis. Based on the available evidence, the clinical significance of this variant remains unclear.